The following is an entry in ClinVar:

ClinVar aggregate classification (germline): Uncertain significance. Review status: criteria provided, multiple submitters, no conflicts (2 of 4 stars). 2 submissions from 2 submitters: Uncertain significance (2). Last evaluated 2025-05-05.

Conditions:
Adams-Oliver syndrome 5 (AOS5). Identifiers: Orphanet 974, MedGen C4014970, MONDO:0014459, OMIM 616028.

gnomAD v4.1: 3 of 1,612,936 alleles (0.00019%); highest among the groups gnomAD compares: South Asian, 0.0011%; no homozygotes.

Submissions (2):

Labcorp Genetics (formerly Invitae), Labcorp
Classification: Uncertain significance for Adams-Oliver syndrome 5. Last evaluated: 2025-05-05. Review status: criteria provided, single submitter. Criteria: Invitae Variant Classification Sherloc (09022015). Collection method: clinical testing. Allele origin: germline.
Comment: This sequence change replaces valine, which is neutral and non-polar, with methionine, which is neutral and non-polar, at codon 322 of the NOTCH1 protein (p.Val322Met). This variant is not present in population databases (gnomAD no frequency). This variant has not been reported in the literature in individuals affected with NOTCH1-related conditions. ClinVar contains an entry for this variant (Variation ID: 3365976). An algorithm developed to predict the effect of missense changes on protein structure and function (PolyPhen-2) suggests that this variant is likely to be disruptive. In summary, the available evidence is currently insufficient to determine the role of this variant in disease. Therefore, it has been classified as a Variant of Uncertain Significance.

GeneDx
Classification: Uncertain significance. Last evaluated: 2023-10-13. Review status: criteria provided, single submitter. Criteria: GeneDx Variant Classification Process June 2021. Collection method: clinical testing. Allele origin: germline. Affected: yes.
Comment: Has not been previously published as pathogenic or benign to our knowledge; Not observed at significant frequency in large population cohorts (gnomAD); In silico analysis supports that this missense variant does not alter protein structure/function

NM_017617.5(NOTCH1):c.964G>A (p.Val322Met)

Gene: NOTCH1 (notch receptor 1; minus strand). Cytogenetic location: 9q34.3.
Variant type: single nucleotide variant.
Coding change: c.964G>A on transcript NM_017617.5 (MANE Select); coding-DNA position 964, G replaced by A.
Protein change: p.Val322Met; replaces valine 322 with methionine.
Molecular consequence: missense variant.
Genome position (GRCh38, 1-based): chr9:136,518,726, C>T on the plus strand (G>A on the coding strand, the complement: NOTCH1 is on the minus strand). VCF-style: chr9-136518726-C-T. GRCh37 (hg19) VCF-style: chr9-139413178-C-T.
Other names: short protein forms V322M.
Identifiers: ClinVar variation 3365976 (VCV003365976.2).
Genomic context (GRCh38, chr9:136,518,726, plus strand): 5'-CGCTGGCACAGTCATCAATGTTCTCGCTGCAGTCCTCACCAGTCCAGCCGTTGACACACA[C>T]GCAGTTGTAGCCACCGTGGGTGTTGTGGCAGGTCCCGCCGTTCTGGCAGGCATTTGGCAT-3'
Protein context (NP_060087.3, residues 312-332): CHNTHGGYNC[Val322Met]CVNGWTGEDC